The following is an entry in ClinVar:

NM_001242957.3(MAK):c.41C>T (p.Thr14Met)

Gene: MAK (male germ cell associated kinase; minus strand). Cytogenetic location: 6p24.2.
Variant type: single nucleotide variant.
Coding change: c.41C>T on transcript NM_001242957.3 (MANE Select); coding-DNA position 41, C replaced by T.
Protein change: p.Thr14Met; replaces threonine 14 with methionine.
Molecular consequence: missense variant. On other transcripts: non-coding transcript variant (2), intron variant (1).
Genome position (GRCh38, 1-based): chr6:10,830,608, G>A on the plus strand (C>T on the coding strand, the complement: MAK is on the minus strand). VCF-style: chr6-10830608-G-A. GRCh37 (hg19) VCF-style: chr6-10830841-G-A.
Other names: c.41C>T, p.Thr14Met (NM_001242385.2, NM_005906.6); c.-2+7895C>T (NM_001377262.1); short protein forms T14M.
Identifiers: ClinVar variation 836437 (VCV000836437.8), dbSNP rs776197156, ClinGen allele CA3633849.

ClinVar aggregate classification (germline): Uncertain significance. Review status: criteria provided, multiple submitters, no conflicts (2 of 4 stars). 3 submissions from 3 submitters: Uncertain significance (3). Last evaluated 2024-05-10.

Conditions:
Retinitis pigmentosa 62 (RP62). Identifiers: Orphanet 791, MedGen C3280042, MONDO:0013611, OMIM 614181.

Allele frequency attached by ClinVar (database versions not stated): ExAC 0.00002; gnomAD exomes 0.00002 and 0.00003; TOPMed 0.00002; gnomAD 0.00003.
gnomAD v4.1: 54 of 1,613,948 alleles (0.0033%); highest among the groups gnomAD compares: Non-Finnish European, 0.0037%; no homozygotes.

Submissions (3):

Revvity Omics, Revvity
Classification: Uncertain significance for Retinitis pigmentosa 62. Last evaluated: 2024-05-10. Review status: criteria provided, single submitter. Criteria: ACMG Guidelines, 2015. Collection method: clinical testing. Allele origin: germline.

Blueprint Genetics
Classification: Uncertain significance. Last evaluated: 2024-02-27. Review status: criteria provided, single submitter. Criteria: ACMG Guidelines, 2015. Collection method: clinical testing. Allele origin: germline.

Labcorp Genetics (formerly Invitae), Labcorp
Classification: Uncertain significance. Last evaluated: 2022-05-25. Review status: criteria provided, single submitter. Criteria: Invitae Variant Classification Sherloc (09022015). Collection method: clinical testing. Allele origin: germline.
Comment: This sequence change replaces threonine, which is neutral and polar, with methionine, which is neutral and non-polar, at codon 14 of the MAK protein (p.Thr14Met). This variant is present in population databases (rs776197156, gnomAD 0.01%). This variant has not been reported in the literature in individuals affected with MAK-related conditions. ClinVar contains an entry for this variant (Variation ID: 836437). Experimental studies and prediction algorithms are not available or were not evaluated, and the functional significance of this variant is currently unknown. In summary, the available evidence is currently insufficient to determine the role of this variant in disease. Therefore, it has been classified as a Variant of Uncertain Significance.